The following is an entry in ClinVar:

ClinVar aggregate classification (germline): Uncertain significance (1 of 4 stars; one submission).

Submission:

GeneDx
Classification: Uncertain significance. Last evaluated: 2023-07-25. Review status: criteria provided, single submitter. Criteria: GeneDx Variant Classification Process June 2021. Collection method: clinical testing. Allele origin: germline. Affected: yes.
Comment: Not observed at significant frequency in large population cohorts (gnomAD); In silico analysis supports that this missense variant has a deleterious effect on protein structure/function; Has not been previously published as pathogenic or benign to our knowledge

NM_014991.6(WDFY3):c.8707G>A (p.Val2903Met)

Gene: WDFY3 (WD repeat and FYVE domain containing 3; minus strand). Cytogenetic location: 4q21.23.
Variant type: single nucleotide variant.
Coding change: c.8707G>A on transcript NM_014991.6 (MANE Select); coding-DNA position 8707, G replaced by A.
Protein change: p.Val2903Met; replaces valine 2903 with methionine.
Molecular consequence: missense variant.
Genome position (GRCh38, 1-based): chr4:84,696,164, C>T on the plus strand (G>A on the coding strand, the complement: WDFY3 is on the minus strand). VCF-style: chr4-84696164-C-T. GRCh37 (hg19) VCF-style: chr4-85617317-C-T.
Other names: short protein forms V2903M.
Identifiers: ClinVar variation 2505725 (VCV002505725.3), dbSNP rs2530911094, ClinGen allele CA357538841.
Genomic context (GRCh38, chr4:84,696,164, plus strand): 5'-CAGGGCCTTGCTGTTTATAACCGAAGATTAAGTCAATCCACTCATGTAGATGGGCACTCA[C>T]GTAATCACACTCCAAAGCCTGTAATTTCAAACATAGGTTTAGTCACTGGCTGACTTCTAT-3'
Protein context (NP_055806.2, residues 2893-2913): VHREALECDY[Val2903Met]SAHLHEWIDL